The following is an entry in ClinVar:

NM_000548.5(TSC2):c.5106C>G (p.Ile1702Met)

Gene: TSC2 (TSC complex subunit 2; plus strand). Cytogenetic location: 16p13.3.
Variant type: single nucleotide variant.
Coding change: c.5106C>G on transcript NM_000548.5 (MANE Select); coding-DNA position 5106, C replaced by G.
Protein change: p.Ile1702Met; replaces isoleucine 1702 with methionine.
Molecular consequence: missense variant.
Genome position (GRCh38, 1-based): chr16:2,088,085, C>G. VCF-style: chr16-2088085-C-G. GRCh37 (hg19) VCF-style: chr16-2138086-C-G.
Other names: c.4905C>G, p.Ile1635Met (NM_001077183.3); c.5037C>G, p.Ile1679Met (NM_001114382.3); c.4797C>G, p.Ile1599Met (NM_001318827.2); c.4761C>G, p.Ile1587Met (NM_001318829.2); c.4374C>G, p.Ile1458Met (NM_001318831.2); c.4938C>G, p.Ile1646Met (NM_001318832.2); c.4908C>G, p.Ile1636Met (NM_001363528.2); c.4974C>G, p.Ile1658Met (NM_001370404.1); and 1 more; short protein forms I1702M, I1587M, I1658M, I1458M, I1635M, I1646M, I1679M, I1599M.
Identifiers: ClinVar variation 535885 (VCV000535885.15), dbSNP rs45483700, ClinGen allele CA394312240.

ClinVar aggregate classification (germline): Uncertain significance. Review status: criteria provided, multiple submitters, no conflicts (2 of 4 stars). 4 submissions from 4 submitters: Uncertain significance (4). Last evaluated 2026-07-30.

Conditions:
Tuberous sclerosis 2 (TSC2). Identifiers: Orphanet 805, MedGen C1860707, MONDO:0013199, OMIM 613254.
Hereditary cancer-predisposing syndrome. Also called: Hereditary Cancer Syndrome; Tumor predisposition; Hereditary neoplastic syndrome; Neoplastic Syndromes, Hereditary. Identifiers: Orphanet 140162, MedGen C0027672, MeSH D009386, MONDO:0015356.

Submissions (4):

Ambry Genetics
Classification: Uncertain significance for Hereditary cancer-predisposing syndrome. Last evaluated: 2026-07-30. Review status: criteria provided, single submitter. Criteria: Ambry Variant Classification Scheme 2023. Collection method: clinical testing. Allele origin: germline.
Comment: The p.I1702M variant (also known as c.5106C>G), located in coding exon 39 of the TSC2 gene, results from a C to G substitution at nucleotide position 5106. The isoleucine at codon 1702 is replaced by methionine, an amino acid with highly similar properties. This amino acid position is conserved. In addition, this alteration is predicted to be deleterious by in silico analysis. Based on the available evidence, the clinical significance of this variant remains unclear.

Labcorp Genetics (formerly Invitae), Labcorp
Classification: Uncertain significance for Tuberous sclerosis 2. Last evaluated: 2023-04-06. Review status: criteria provided, single submitter. Criteria: Invitae Variant Classification Sherloc (09022015). Collection method: clinical testing. Allele origin: germline.
Comment: This sequence change replaces isoleucine, which is neutral and non-polar, with methionine, which is neutral and non-polar, at codon 1702 of the TSC2 protein (p.Ile1702Met). This variant is not present in population databases (gnomAD no frequency). This variant has not been reported in the literature in individuals affected with TSC2-related conditions. ClinVar contains an entry for this variant (Variation ID: 535885). Advanced modeling of protein sequence and biophysical properties (such as structural, functional, and spatial information, amino acid conservation, physicochemical variation, residue mobility, and thermodynamic stability) performed at Invitae indicates that this missense variant is not expected to disrupt TSC2 protein function. In summary, the available evidence is currently insufficient to determine the role of this variant in disease. Therefore, it has been classified as a Variant of Uncertain Significance.

Genome-Nilou Lab
Classification: Uncertain significance for Tuberous sclerosis 2. Last evaluated: 2021-11-07. Review status: criteria provided, single submitter. Criteria: ACMG Guidelines, 2015. Collection method: clinical testing. Allele origin: germline. Affected: no.

GeneDx
Classification: Uncertain significance. Last evaluated: 2020-02-18. Review status: criteria provided, single submitter. Criteria: GeneDx Variant Classification Process June 2021. Collection method: clinical testing. Allele origin: germline. Affected: yes.
Comment: Not observed in large population cohorts (Lek et al., 2016); In silico analysis supports that this missense variant has a deleterious effect on protein structure/function; In-silico analysis, which includes splice predictors and evolutionary conservation, is inconclusive as to whether the variant alters gene splicing. In the absence of RNA/functional studies, the actual effect of this sequence change is unknown.; Has not been previously published as pathogenic or benign to our knowledge